The following is an entry in ClinVar:

ClinVar aggregate classification (germline): Uncertain significance (1 of 4 stars; one submission).

Allele frequency attached by ClinVar (database versions not stated): gnomAD exomes below 0.00001; TOPMed below 0.00001.
gnomAD v4.1: 1 of 1,493,980 alleles (0.000067%); highest among the groups gnomAD compares: Non-Finnish European, 0.00009%; no homozygotes.

Submission:

GeneDx
Classification: Uncertain significance. Last evaluated: 2022-08-22. Review status: criteria provided, single submitter. Criteria: GeneDx Variant Classification Process June 2021. Collection method: clinical testing. Allele origin: germline. Affected: yes.
Comment: Not observed at significant frequency in large population cohorts (gnomAD); In silico analysis supports that this missense variant does not alter protein structure/function; Has not been previously published as pathogenic or benign to our knowledge

NM_005219.5(DIAPH1):c.3205G>A (p.Val1069Met)

Gene: DIAPH1 (diaphanous related formin 1; minus strand). Cytogenetic location: 5q31.3.
Variant type: single nucleotide variant.
Coding change: c.3205G>A on transcript NM_005219.5 (MANE Select); coding-DNA position 3205, G replaced by A.
Protein change: p.Val1069Met; replaces valine 1069 with methionine.
Molecular consequence: missense variant.
Genome position (GRCh38, 1-based): chr5:141,527,641, C>T on the plus strand (G>A on the coding strand, the complement: DIAPH1 is on the minus strand). VCF-style: chr5-141527641-C-T. GRCh37 (hg19) VCF-style: chr5-140907208-C-T.
Other names: c.3178G>A, p.Val1060Met (NM_001079812.3); c.3205G>A, p.Val1069Met (NM_001314007.2); short protein forms V1060M, V1069M.
Identifiers: ClinVar variation 2430865 (VCV002430865.1), dbSNP rs2099887578, ClinGen allele CA361581356.